The following is an entry in ClinVar:

NM_003001.3(SDHC):c.-33C>T

Gene: SDHC (succinate dehydrogenase complex subunit C; plus strand). Cytogenetic location: 1q23.3.
Variant type: single nucleotide variant.
Coding change: c.-33C>T on transcript NM_003001.3; 33 bases upstream of the start codon, C replaced by T.
Genome position (GRCh38, 1-based): chr1:161,314,373, C>T. VCF-style: chr1-161314373-C-T. GRCh37 (hg19) VCF-style: chr1-161284163-C-T.
Identifiers: ClinVar variation 876511 (VCV000876511.6), dbSNP rs766876899, ClinGen allele CA089452.

ClinVar aggregate classification (germline): Likely benign (1 of 4 stars; one submission).

Conditions:
Hereditary pheochromocytoma and paraganglioma. Also called: Hereditary Paraganglioma-Pheochromocytoma Syndromes; Hereditary paragangliomas and pheochromocytomas; Hereditary pheochromocytoma-paraganglioma. Identifiers: Orphanet 29072, MedGen C4274332, MONDO:0017366.

Allele frequency attached by ClinVar (database versions not stated): TOPMed 0.00004; gnomAD 0.00004.

Submission:

Illumina Laboratory Services, Illumina
Classification: Likely benign for Hereditary Paraganglioma-Pheochromocytoma Syndromes. Last evaluated: 2018-01-12. Review status: criteria provided, single submitter. Criteria: ICSL Variant Classification Criteria 13 December 2019. Collection method: clinical testing. Allele origin: germline.
Comment: This variant was observed in the ICSL laboratory as part of a predisposition screen in an ostensibly healthy population. It had not been previously curated by ICSL or reported in the Human Gene Mutation Database (HGMD: prior to June 1st, 2018), and was therefore a candidate for classification through an automated scoring system. Utilizing variant allele frequency, disease prevalence and penetrance estimates, and inheritance mode, an automated score was calculated to assess if this variant is too frequent to cause the disease. Based on the score and internal cut-off values, a variant classified as likely benign is not then subjected to further curation. The score for this variant resulted in a classification of likely benign for this disease.